The following is an entry in ClinVar:

ClinVar aggregate classification (germline): Uncertain significance. Review status: criteria provided, multiple submitters, no conflicts (2 of 4 stars). 2 submissions from 2 submitters: Uncertain significance (2). Last evaluated 2025-03-18.

Conditions:
Inborn genetic diseases. Identifiers: MedGen C0950123, MeSH D030342.

Allele frequency attached by ClinVar (database versions not stated): gnomAD 0.00001; gnomAD exomes 0.00002 and 0.00001; TOPMed 0.00001; 1000 Genomes Project 30x 0.00016; 1000 Genomes Project 0.00020; ExAC 0.00002.
gnomAD v4.1: 23 of 1,611,190 alleles (0.0014%); highest among the groups gnomAD compares: Admixed American, 0.0017%; no homozygotes.

Submissions (2):

Ambry Genetics
Classification: Uncertain significance for Inborn genetic diseases. Last evaluated: 2025-03-18. Review status: criteria provided, single submitter. Criteria: Ambry Variant Classification Scheme 2023. Collection method: clinical testing. Allele origin: germline.

Labcorp Genetics (formerly Invitae), Labcorp
Classification: Uncertain significance. Last evaluated: 2022-08-11. Review status: criteria provided, single submitter. Criteria: Invitae Variant Classification Sherloc (09022015). Collection method: clinical testing. Allele origin: germline.
Comment: This sequence change replaces serine, which is neutral and polar, with asparagine, which is neutral and polar, at codon 430 of the CEP78 protein (p.Ser430Asn). This variant is present in population databases (rs187255247, gnomAD 0.004%). This variant has not been reported in the literature in individuals affected with CEP78-related conditions. ClinVar contains an entry for this variant (Variation ID: 970649). Algorithms developed to predict the effect of missense changes on protein structure and function are either unavailable or do not agree on the potential impact of this missense change (SIFT: "Tolerated"; PolyPhen-2: "Probably Damaging"; Align-GVGD: "Class C0"). In summary, the available evidence is currently insufficient to determine the role of this variant in disease. Therefore, it has been classified as a Variant of Uncertain Significance.

NM_001330691.3(CEP78):c.1286G>A (p.Ser429Asn)

Gene: CEP78 (centrosomal protein 78; plus strand). Cytogenetic location: 9q21.2.
Variant type: single nucleotide variant.
Coding change: c.1286G>A on transcript NM_001330691.3 (MANE Select); coding-DNA position 1286, G replaced by A.
Protein change: p.Ser429Asn; replaces serine 429 with asparagine.
Molecular consequence: missense variant.
Genome position (GRCh38, 1-based): chr9:78,254,870, G>A. VCF-style: chr9-78254870-G-A. GRCh37 (hg19) VCF-style: chr9-80869786-G-A.
Other names: c.1289G>A, p.Ser430Asn (NM_001098802.3, NM_001349839.2, NM_001349840.2 and 1 more transcripts); c.1286G>A, p.Ser429Asn (NM_001330693.3, NM_001330694.2, NM_001349838.2); short protein forms S429N, S430N.
Identifiers: ClinVar variation 970649 (VCV000970649.8), dbSNP rs187255247, ClinGen allele CA5095216.